The following is an entry in ClinVar:

NM_001171613.2(PREPL):c.1263-2A>C

Gene: PREPL (prolyl endopeptidase like; minus strand). Cytogenetic location: 2p21.
Variant type: single nucleotide variant.
Coding change: c.1263-2A>C on transcript NM_001171613.2 (MANE Select); the canonical splice acceptor site of the intron before coding-DNA position 1263, A replaced by C.
Molecular consequence: splice acceptor variant.
Genome position (GRCh38, 1-based): chr2:44,326,930, T>G on the plus strand (A>C on the coding strand, the complement: PREPL is on the minus strand). VCF-style: chr2-44326930-T-G. GRCh37 (hg19) VCF-style: chr2-44554069-T-G.
Other names: c.1263-2A>C (NM_001171617.1, NM_001374277.1); c.1530-2A>C (NM_001171603.1, NM_001374275.1, NM_001374276.1 and 2 more transcripts); c.1344-2A>C (NM_001042385.2); c.1332-2A>C (NM_001042386.2).
Identifiers: ClinVar variation 4730638 (VCV004730638.1).
Genomic context (GRCh38, chr2:44,326,930, plus strand): 5'-TGAGTTTTTTAGTTAGGCGGCCATCAGCGTGCCACTGGAGGCCTAACTCACCACCACCTC[T>G]GAAATTGAAGGGCAAAAAAGTTTTAGTGGAAAAAAAAAGTTAATACTGTAGGCTGGGGTC-3'

ClinVar aggregate classification (germline): Likely pathogenic (1 of 4 stars; one submission).

Conditions:
Myasthenic syndrome, congenital, 22 (CMS22). Also called: PREPL DEFICIENCY. Identifiers: MedGen C4479088, MONDO:0044299, OMIM 616224.

gnomAD v4.1: 4 of 1,613,604 alleles (0.00025%); highest among the groups gnomAD compares: Non-Finnish European, 0.00034%; no homozygotes.

Submission:

Labcorp Genetics (formerly Invitae), Labcorp
Classification: Likely pathogenic for Myasthenic syndrome, congenital, 22. Last evaluated: 2025-11-06. Review status: criteria provided, single submitter. Criteria: Invitae Variant Classification Sherloc (09022015). Collection method: clinical testing. Allele origin: germline.
Comment: This sequence change affects an acceptor splice site in intron 9 of the PREPL gene. It is expected to disrupt RNA splicing. Variants that disrupt the donor or acceptor splice site typically lead to a loss of protein function (PMID: 16199547), and loss-of-function variants in PREPL are known to be pathogenic (PMID: 24610330, 28726805, 29913539). This variant is not present in population databases (gnomAD no frequency). This variant has not been reported in the literature in individuals affected with PREPL-related conditions. Algorithms developed to predict the effect of sequence changes on RNA splicing suggest that this variant may disrupt the consensus splice site. In summary, the currently available evidence indicates that the variant is pathogenic, but additional data are needed to prove that conclusively. Therefore, this variant has been classified as Likely Pathogenic.

Literature cited by the submitters: PubMed 16199547; PubMed 24610330; PubMed 28726805; PubMed 29913539.